The following is an entry in ClinVar:

NM_001164586.2(IGFN1):c.5280C>T (p.Ser1760=)

Gene: IGFN1 (immunoglobulin like and fibronectin type III domain containing 1; plus strand). Cytogenetic location: 1q32.1.
Variant type: single nucleotide variant.
Coding change: c.5280C>T on transcript NM_001164586.2 (MANE Select); coding-DNA position 5280, C replaced by T.
Protein change: p.Ser1760=; no amino-acid change (serine 1760 retained).
Molecular consequence: synonymous variant. On other transcripts: intron variant (1).
Genome position (GRCh38, 1-based): chr1:201,210,173, C>T. VCF-style: chr1-201210173-C-T. GRCh37 (hg19) VCF-style: chr1-201179301-C-T.
Other names: c.1242-3333C>T (NM_001367841.1).
Identifiers: ClinVar variation 3388446 (VCV003388446.14).

ClinVar aggregate classification (germline): Likely benign (1 of 4 stars; one submission).

Submission:

CeGaT Center for Human Genetics Tuebingen
Classification: Likely benign. Last evaluated: 2024-09-01. Review status: criteria provided, single submitter. Criteria: CeGaT Center For Human Genetics Tuebingen Variant Classification Criteria Version 2. Collection method: clinical testing. Allele origin: germline. Affected: yes. Observed: 1 variant allele.
Comment: IGFN1: BP4, BP7